The following is an entry in ClinVar:

ClinVar aggregate classification (germline): Uncertain significance (0 of 4 stars; one submission).

Conditions:
FBN2-related disorder. Also called: FBN2-related condition.

gnomAD v4.1: 1 of 1,614,212 alleles (0.000062%); no homozygotes.

Submission:

PreventionGenetics, part of Exact Sciences
Classification: Uncertain significance for FBN2-related condition. Last evaluated: 2024-03-27. Review status: no assertion criteria provided. Collection method: clinical testing. Allele origin: germline.
Comment: The FBN2 c.3806G>A variant is predicted to result in the amino acid substitution p.Ser1269Asn. To our knowledge, this variant has not been reported in the literature. This variant is reported in 0.020% of alleles in individuals of Ashkenazi Jewish descent in gnomAD. At this time, the clinical significance of this variant is uncertain due to the absence of conclusive functional and genetic evidence.

NM_001999.4(FBN2):c.3806G>A (p.Ser1269Asn)

Gene: FBN2 (fibrillin 2; minus strand). Cytogenetic location: 5q23.3.
Variant type: single nucleotide variant.
Coding change: c.3806G>A on transcript NM_001999.4 (MANE Select); coding-DNA position 3806, G replaced by A.
Protein change: p.Ser1269Asn; replaces serine 1269 with asparagine.
Molecular consequence: missense variant.
Genome position (GRCh38, 1-based): chr5:128,335,496, C>T on the plus strand (G>A on the coding strand, the complement: FBN2 is on the minus strand). VCF-style: chr5-128335496-C-T. GRCh37 (hg19) VCF-style: chr5-127671188-C-T.
Other names: short protein forms S1269N.
Identifiers: ClinVar variation 3345339 (VCV003345339.1).